The following is an entry in ClinVar:

NM_032043.3(BRIP1):c.3374C>G (p.Ala1125Gly)

Gene: BRIP1 (BRCA1 interacting DNA helicase 1; minus strand). Cytogenetic location: 17q23.2.
Variant type: single nucleotide variant.
Coding change: c.3374C>G on transcript NM_032043.3 (MANE Select); coding-DNA position 3374, C replaced by G.
Protein change: p.Ala1125Gly; replaces alanine 1125 with glycine.
Molecular consequence: missense variant.
Genome position (GRCh38, 1-based): chr17:61,683,672, G>C on the plus strand (C>G on the coding strand, the complement: BRIP1 is on the minus strand). VCF-style: chr17-61683672-G-C. GRCh37 (hg19) VCF-style: chr17-59761033-G-C.
Other names: short protein forms A1125G.
Identifiers: ClinVar variation 423671 (VCV000423671.3), dbSNP rs1064796566, ClinGen allele CA16620509.

ClinVar aggregate classification (germline): Uncertain significance. Review status: criteria provided, multiple submitters, no conflicts (2 of 4 stars). 2 submissions from 2 submitters: Uncertain significance (2). Last evaluated 2025-07-05.

Conditions:
Fanconi anemia complementation group J. Also called: BRIP1-Related Fanconi Anemia. Identifiers: Orphanet 84, MedGen C1836860, MONDO:0012187, OMIM 609054.
Familial cancer of breast. Also called: hereditary breast carcinoma; Hereditary breast cancer; BREAST CANCER, FAMILIAL. Identifiers: Orphanet 227535, MedGen C0346153, MONDO:0016419, OMIM 114480. Disease mechanism: loss of function.

Submissions (2):

Labcorp Genetics (formerly Invitae), Labcorp
Classification: Uncertain significance for Familial cancer of breast; Fanconi anemia complementation group J. Last evaluated: 2025-07-05. Review status: criteria provided, single submitter. Criteria: Invitae Variant Classification Sherloc (09022015). Collection method: clinical testing. Allele origin: germline.
Comment: This sequence change replaces alanine, which is neutral and non-polar, with glycine, which is neutral and non-polar, at codon 1125 of the BRIP1 protein (p.Ala1125Gly). This variant is not present in population databases (gnomAD no frequency). This variant has not been reported in the literature in individuals affected with BRIP1-related conditions. ClinVar contains an entry for this variant (Variation ID: 423671). Invitae Evidence Modeling of protein sequence and biophysical properties (such as structural, functional, and spatial information, amino acid conservation, physicochemical variation, residue mobility, and thermodynamic stability) indicates that this missense variant is not expected to disrupt BRIP1 protein function with a negative predictive value of 95%. In summary, the available evidence is currently insufficient to determine the role of this variant in disease. Therefore, it has been classified as a Variant of Uncertain Significance.

GeneDx
Classification: Uncertain significance. Last evaluated: 2017-02-16. Review status: criteria provided, single submitter. Criteria: GeneDx Variant Classification (06012015). Collection method: clinical testing. Allele origin: germline. Affected: yes.
Comment: This variant is denoted BRIP1 c.3374C>G at the cDNA level, p.Ala1125Gly (A1125G) at the protein level, and results in the change of an Alanine to a Glycine (GCA>GGA). This variant has not, to our knowledge, been published in the literature as pathogenic or benign. BRIP1 Ala1125Gly was not observed in approximately 6,500 individuals of European and African American ancestry in the NHLBI Exome Sequencing Project, suggesting it is not a common benign variant in these populations. Since Alanine and Glycine share similar properties, this is considered a conservative amino acid substitution. BRIP1 Ala1125Gly occurs at a position that is not conserved and is not located in a known functional domain. In silico analyses are inconsistent regarding the effect this variant may have on protein structure and function. Based on currently available evidence, it is unclear whether BRIP1 Ala1125Gly is a pathogenic or benign variant. We consider it to be a variant of uncertain significance.